The following is an entry in ClinVar:

NM_000421.5(KRT10):c.1606GGC[5] (p.Gly541del)

Gene: KRT10 (keratin 10; minus strand). Cytogenetic location: 17q21.2.
Variant type: Microsatellite.
Coding change: c.1606GGC[5] on transcript NM_000421.5 (MANE Select); five copies in a row of the 3-base unit GGC starting at c.1606; the reference has six copies in a row; one copy, 3 bases deleted.
Protein change: p.Gly541del; deletes glycine 541.
Genome position (GRCh38, 1-based): chr17:40,818,912-40,818,914, GCC deleted on the plus strand (GGC on the coding strand, the reverse complement: KRT10 is on the minus strand); deleting any 3 consecutive bases within chr17:40,818,912-40,818,930 gives the same sequence; the position shown is the placement nearest the transcript's 3' end. VCF-style (leftmost placement, unchanged base first): chr17-40818911-AGCC-A. GRCh37 (hg19) VCF-style: chr17-38975163-AGCC-A.
Other names: c.1606GGC[5], p.Gly541del (NM_001379366.1); short protein forms G541del.
Identifiers: ClinVar variation 3060207 (VCV003060207.3), dbSNP rs759327325, ClinGen allele CA8547946.

ClinVar aggregate classification (germline): Likely benign. Review status: criteria provided, single submitter (1 of 4 stars). 2 submissions from 2 submitters: Likely benign (1). 1 of the submissions does not count toward it. Last evaluated 2024-10-22.

Conditions:
KRT10-related disorder. Also called: KRT10-related condition.

Submissions (2):

Blueprint Genetics
Classification: Likely benign. Last evaluated: 2024-10-22. Review status: criteria provided, single submitter. Criteria: ACMG Guidelines, 2015. Collection method: clinical testing. Allele origin: germline.

PreventionGenetics, part of Exact Sciences
Classification: Benign for KRT10-related condition. Last evaluated: 2019-07-17. Review status: no assertion criteria provided. Collection method: clinical testing. Allele origin: germline. Not counted in ClinVar's aggregate classification.
Comment: This variant is classified as benign based on ACMG/AMP sequence variant interpretation guidelines (Richards et al. 2015 PMID: 25741868, with internal and published modifications).